The following is an entry in ClinVar:

ClinVar aggregate classification (germline): Likely benign. Review status: criteria provided, multiple submitters, no conflicts (2 of 4 stars). 2 submissions from 2 submitters: Likely benign (2). Last evaluated 2026-04-28.

Conditions:
Colorectal cancer, hereditary nonpolyposis, type 7. Identifiers: Orphanet 144, MedGen C1858380, MONDO:0013725, OMIM 614385.

Allele frequency attached by ClinVar (database versions not stated): TOPMed 0.00001; gnomAD 0.00001.
gnomAD v4.1: 19 of 1,604,364 alleles (0.0012%); highest among the groups gnomAD compares: Non-Finnish European, 0.0015%; no homozygotes.

Submissions (2):

Myriad Genetics, Inc.
Classification: Likely benign for Colorectal cancer, hereditary nonpolyposis, type 7. Last evaluated: 2026-04-28. Review status: criteria provided, single submitter. Criteria: Myriad Autosomal Dominant, Autosomal Recessive and X-Linked Classification Criteria (2023). Collection method: clinical testing. Allele origin: unknown.
Comment: This variant is considered likely benign. This variant is intronic and is not expected to impact mRNA splicing.

Labcorp Genetics (formerly Invitae), Labcorp
Classification: Likely benign for Colorectal cancer, hereditary nonpolyposis, type 7. Last evaluated: 2025-06-03. Review status: criteria provided, single submitter. Criteria: Invitae Variant Classification Sherloc (09022015). Collection method: clinical testing. Allele origin: germline.

NM_001040108.2(MLH3):c.3644-20C>T

Gene: MLH3 (mutL homolog 3; minus strand). Cytogenetic location: 14q24.3.
Variant type: single nucleotide variant.
Coding change: c.3644-20C>T on transcript NM_001040108.2 (MANE Select); 20 bases into the intron before coding-DNA position 3644, C replaced by T.
Molecular consequence: intron variant.
Genome position (GRCh38, 1-based): chr14:75,033,510, G>A on the plus strand (C>T on the coding strand, the complement: MLH3 is on the minus strand). VCF-style: chr14-75033510-G-A. GRCh37 (hg19) VCF-style: chr14-75500213-G-A.
Other names: c.3644-1331C>T (NM_014381.3).
Identifiers: ClinVar variation 2733793 (VCV002733793.4), dbSNP rs1313987553, ClinGen allele CA708530453.